The following is an entry in ClinVar:

NM_017946.4(FKBP14):c.53T>A (p.Ile18Asn)

Genes: FKBP14 (FKBP prolyl isomerase 14; minus strand), FKBP14-AS1 (FKBP14 antisense RNA 1; plus strand). Cytogenetic location: 7p14.3.
Variant type: single nucleotide variant.
Coding change: c.53T>A on transcript NM_017946.4 (MANE Select); coding-DNA position 53, T replaced by A.
Protein change: p.Ile18Asn; replaces isoleucine 18 with asparagine.
Molecular consequence: missense variant. On other transcripts: non-coding transcript variant (3).
Genome position (GRCh38, 1-based): chr7:30,026,456, A>T on the plus strand (T>A on the coding strand, the complement: FKBP14 is on the minus strand). VCF-style: chr7-30026456-A-T. GRCh37 (hg19) VCF-style: chr7-30066072-A-T.
Other names: short protein forms I18N.
Identifiers: ClinVar variation 3227105 (VCV003227105.1), dbSNP rs140239991, ClinGen allele CA367118033.

ClinVar aggregate classification (germline): Uncertain significance (1 of 4 stars; one submission).

Conditions:
Cardiovascular phenotype. Identifiers: MedGen CN230736.

Submission:

Ambry Genetics
Classification: Uncertain significance for Cardiovascular phenotype. Last evaluated: 2024-01-16. Review status: criteria provided, single submitter. Criteria: Ambry Variant Classification Scheme 2023. Collection method: clinical testing. Allele origin: germline.
Comment: The p.I18N variant (also known as c.53T>A), located in coding exon 1 of the FKBP14 gene, results from a T to A substitution at nucleotide position 53. The isoleucine at codon 18 is replaced by asparagine, an amino acid with dissimilar properties. This amino acid position is conserved. In addition, this alteration is predicted to be tolerated by in silico analysis. Since supporting evidence is limited at this time, the clinical significance of this alteration remains unclear.